The following is an entry in ClinVar:

ClinVar aggregate classification (germline): Pathogenic. Review status: criteria provided, single submitter (1 of 4 stars). 2 submissions from 2 submitters: Pathogenic (1). 1 of the submissions does not count toward it. Last evaluated 2022-08-23.

Conditions:
Fanconi anemia (FA). Also called: Fanconi's anemia. Identifiers: Orphanet 84, MedGen C0015625, MeSH D005199, MONDO:0019391.
Fanconi anemia complementation group A (FANCA). Also called: Fanconi anemia, group A; FANCA-Related Fanconi Anemia. Identifiers: Orphanet 84, MedGen C3469521, MONDO:0009215, OMIM 227650.

Allele frequency attached by ClinVar (database versions not stated): gnomAD exomes below 0.00001.
gnomAD v4.1: 2 of 1,614,182 alleles (0.00012%); highest among the groups gnomAD compares: Non-Finnish European, 0.00017%; no homozygotes.

Submissions (2):

Labcorp Genetics (formerly Invitae), Labcorp
Classification: Pathogenic for Fanconi anemia. Last evaluated: 2022-08-23. Review status: criteria provided, single submitter. Criteria: Invitae Variant Classification Sherloc (09022015). Collection method: clinical testing. Allele origin: germline.
Comment: Algorithms developed to predict the effect of sequence changes on RNA splicing suggest that this variant may disrupt the consensus splice site. ClinVar contains an entry for this variant (Variation ID: 974253). This premature translational stop signal has been observed in individual(s) with Fanconi anaemia (PMID: 9371798, 32487094). This variant is present in population databases (no rsID available, gnomAD 0.0009%). This sequence change creates a premature translational stop signal (p.Gln1031*) in the FANCA gene. It is expected to result in an absent or disrupted protein product. Loss-of-function variants in FANCA are known to be pathogenic (PMID: 19367192). For these reasons, this variant has been classified as Pathogenic.

Leiden Open Variation Database
Classification: Pathogenic for Fanconi anemia complementation group A. Last evaluated: 2020-02-28. Review status: no assertion criteria provided. Collection method: curation. Allele origin: germline. Affected: yes. Not counted in ClinVar's aggregate classification.
Comment: Curator: Arleen D. Auerbach. Submitter to LOVD: Arleen D. Auerbach.

Literature cited by the submitters: PubMed 9371798 (cited by Labcorp Genetics (formerly Invitae), Labcorp); PubMed 32487094 (cited by Labcorp Genetics (formerly Invitae), Labcorp); PubMed 19367192 (cited by Labcorp Genetics (formerly Invitae), Labcorp).

NM_000135.4(FANCA):c.3091C>T (p.Gln1031Ter)

Gene: FANCA (FA complementation group A; minus strand). Cytogenetic location: 16q24.3.
Variant type: single nucleotide variant.
Coding change: c.3091C>T on transcript NM_000135.4 (MANE Select); coding-DNA position 3091, C replaced by T.
Protein change: p.Gln1031Ter; replaces glutamine 1031 with a stop codon.
Molecular consequence: nonsense.
Genome position (GRCh38, 1-based): chr16:89,749,878, G>A on the plus strand (C>T on the coding strand, the complement: FANCA is on the minus strand). VCF-style: chr16-89749878-G-A. GRCh37 (hg19) VCF-style: chr16-89816286-G-A.
Other names: c.3091C>T, p.Gln1031Ter (NM_001286167.3); short protein forms Q1031*.
Identifiers: ClinVar variation 974253 (VCV000974253.6), dbSNP rs1270910813, ClinGen allele CA397486715.
Genomic context (GRCh38, chr16:89,749,878, plus strand): 5'-TCTCAAAGAGGAAGTGCTCCTGGGAAGGGGTGTGGCCGAGAGGCACTATGAGGTCTTGCT[G>A]CAGCTCCAGGTCAGCTACCATCTCCTGAAAAAGAGCAGTATGCTGGCACAGGAAGGCCTC-3'